The following is an entry in ClinVar:

NM_001366385.1(CARD14):c.913A>G (p.Ile305Val)

Gene: CARD14 (caspase recruitment domain family member 14; plus strand). Cytogenetic location: 17q25.3.
Variant type: single nucleotide variant.
Coding change: c.913A>G on transcript NM_001366385.1 (MANE Select); coding-DNA position 913, A replaced by G.
Protein change: p.Ile305Val; replaces isoleucine 305 with valine.
Molecular consequence: missense variant. On other transcripts: non-coding transcript variant (1).
Genome position (GRCh38, 1-based): chr17:80,189,822, A>G. VCF-style: chr17-80189822-A-G. GRCh37 (hg19) VCF-style: chr17-78163621-A-G.
Other names: c.913A>G, p.Ile305Val (NM_001257970.1, NM_024110.4); c.202A>G, p.Ile68Val (NM_052819.3); short protein forms I305V, I68V.
Identifiers: ClinVar variation 3748996 (VCV003748996.5).

ClinVar aggregate classification (germline): Uncertain significance. Review status: criteria provided, multiple submitters, no conflicts (2 of 4 stars). 3 submissions from 3 submitters: Uncertain significance (3). Last evaluated 2025-11-19.

Conditions:
Pityriasis rubra pilaris (PRP). Also called: Pityriasis rubra pilaris--familial type. Identifiers: Orphanet 2897, MedGen C0032027, MONDO:0100017, OMIM 173200, MONDO:0008251.
Psoriasis 2. Identifiers: MedGen C1864497, MONDO:0011269, OMIM 602723.
CARD14-related disorder. Also called: CARD14-related condition.

gnomAD v4.1: 3 of 1,586,246 alleles (0.00019%); highest among the groups gnomAD compares: Non-Finnish European, 0.00026%; no homozygotes.

Submissions (3):

Dasa
Classification: Uncertain significance. Last evaluated: 2025-11-19. Review status: criteria provided, single submitter. Criteria: DASA Assertion Criteria. Collection method: clinical testing. Allele origin: germline.
Comment: NM_001366385.1(CARD14):c.913A>G (p.Ile305Val) is a missense variant that results in the substitution of isoleucine with valine. This variant is rare in population databases. Computational prediction algorithms are consistent with a benign effect. The currently available literature and clinical evidence are not sufficient to establish a definitive association between this variant and the reported condition. Therefore, this variant is classified as a variant of uncertain significance.

PreventionGenetics, part of Exact Sciences
Classification: Uncertain significance for CARD14-related condition. Last evaluated: 2025-08-08. Review status: criteria provided, single submitter. Criteria: ACMG Guidelines, 2015. Collection method: clinical testing. Allele origin: germline.
Comment: The CARD14 c.913A>G variant is predicted to result in the amino acid substitution p.Ile305Val. To our knowledge, this variant has not been reported in the literature. This variant is reported in 0.00099% of alleles in individuals of European (Non-Finnish) descent in gnomAD. At this time, the clinical significance of this variant is uncertain due to the absence of conclusive functional and genetic evidence.

Labcorp Genetics (formerly Invitae), Labcorp
Classification: Uncertain significance for Pityriasis rubra pilaris; Psoriasis 2. Last evaluated: 2024-03-13. Review status: criteria provided, single submitter. Criteria: Invitae Variant Classification Sherloc (09022015). Collection method: clinical testing. Allele origin: germline.
Comment: This sequence change replaces isoleucine, which is neutral and non-polar, with valine, which is neutral and non-polar, at codon 305 of the CARD14 protein (p.Ile305Val). This variant is present in population databases (no rsID available, gnomAD 0.001%). This variant has not been reported in the literature in individuals affected with CARD14-related conditions. Advanced modeling of protein sequence and biophysical properties (such as structural, functional, and spatial information, amino acid conservation, physicochemical variation, residue mobility, and thermodynamic stability) performed at Invitae indicates that this missense variant is expected to disrupt CARD14 protein function with a positive predictive value of 80%. In summary, the available evidence is currently insufficient to determine the role of this variant in disease. Therefore, it has been classified as a Variant of Uncertain Significance.